The following is an entry in ClinVar:

ClinVar aggregate classification (germline): Uncertain significance (1 of 4 stars; one submission).

Submission:

Women's Health and Genetics/Laboratory Corporation of America, LabCorp
Classification: Uncertain significance. Last evaluated: 2017-07-12. Review status: criteria provided, single submitter. Criteria: LabCorp Variant Classification Summary - May 2015. Collection method: clinical testing. Allele origin: germline.
Comment: Variant summary: The FBN1 c.1181T>G (p.Val394Gly) variant involves the alteration of a conserved nucleotide, resulting in a missense change that lies within the second TB domain (InterPro). 2/3 in silico tools predict a deleterious outcome for this variant (SNPSandGO not captured due to low reliability index; PolyPhen not captured due to non-functioning tool). This variant is absent from the large control database ExAC (0/119748 control chromosomes). To our knowledge, the variant of interest has not been reported in affected individuals via publications and/or reputable databases/clinical diagnostic laboratories, nor has it been evaluated for functional impact by in vivo/vitro studies. Because of the absence of clinical information and the lack of functional studies, the variant is classified as a variant of uncertain significance (VUS) until additional information becomes available.

NM_000138.5(FBN1):c.1181T>G (p.Val394Gly)

Gene: FBN1 (fibrillin 1; minus strand). Cytogenetic location: 15q21.1.
Variant type: single nucleotide variant.
Coding change: c.1181T>G on transcript NM_000138.5 (MANE Select); coding-DNA position 1181, T replaced by G.
Protein change: p.Val394Gly; replaces valine 394 with glycine.
Molecular consequence: missense variant.
Genome position (GRCh38, 1-based): chr15:48,516,329, A>C on the plus strand (T>G on the coding strand, the complement: FBN1 is on the minus strand). VCF-style: chr15-48516329-A-C. GRCh37 (hg19) VCF-style: chr15-48808526-A-C.
Other names: short protein forms V394G.
Identifiers: ClinVar variation 495554 (VCV000495554.1), dbSNP rs1555400427, ClinGen allele CA392345672.